The following is an entry in ClinVar:

NM_000321.3(RB1):c.157G>C (p.Glu53Gln)

Gene: RB1 (RB transcriptional corepressor 1; plus strand). Cytogenetic location: 13q14.2.
Variant type: single nucleotide variant.
Coding change: c.157G>C on transcript NM_000321.3 (MANE Select); coding-DNA position 157, G replaced by C.
Protein change: p.Glu53Gln; replaces glutamic acid 53 with glutamine.
Molecular consequence: missense variant.
Genome position (GRCh38, 1-based): chr13:48,307,299, G>C. VCF-style: chr13-48307299-G-C. GRCh37 (hg19) VCF-style: chr13-48881435-G-C.
Other names: c.157G>C, p.Glu53Gln (NM_001407165.1, NM_001407166.1, NM_001407167.1); short protein forms E53Q.
Identifiers: ClinVar variation 1775665 (VCV001775665.2), dbSNP rs2138033917, ClinGen allele CA388250462.

ClinVar aggregate classification (germline): Uncertain significance (1 of 4 stars; one submission).

Conditions:
Hereditary cancer-predisposing syndrome. Also called: Neoplastic Syndromes, Hereditary; Tumor predisposition; Hereditary Cancer Syndrome; Hereditary neoplastic syndrome. Identifiers: Orphanet 140162, MedGen C0027672, MeSH D009386, MONDO:0015356.

Submission:

Ambry Genetics
Classification: Uncertain significance for Hereditary cancer-predisposing syndrome. Last evaluated: 2021-07-01. Review status: criteria provided, single submitter. Criteria: Ambry Variant Classification Scheme 2023. Collection method: clinical testing. Allele origin: germline.
Comment: The p.E53Q variant (also known as c.157G>C), located in coding exon 2 of the RB1 gene, results from a G to C substitution at nucleotide position 157. The glutamic acid at codon 53 is replaced by glutamine, an amino acid with highly similar properties. This amino acid position is highly conserved in available vertebrate species. In addition, this alteration is predicted to be tolerated by in silico analysis. Since supporting evidence is limited at this time, the clinical significance of this alteration remains unclear.